The following is an entry in ClinVar:

ClinVar aggregate classification (germline): Uncertain significance (1 of 4 stars; one submission).

Allele frequency attached by ClinVar (database versions not stated): ESP Exome Variant Server 0.00008; TOPMed 0.00003; ExAC 0.00009; 1000 Genomes Project 30x 0.00016; gnomAD 0.00011; gnomAD exomes 0.00014.
gnomAD v4.1: 205 of 1,534,558 alleles (0.013%); highest among the groups gnomAD compares: East Asian, 0.38%; 1 homozygote.

Submission:

Labcorp Genetics (formerly Invitae), Labcorp
Classification: Uncertain significance. Last evaluated: 2022-10-14. Review status: criteria provided, single submitter. Criteria: Invitae Variant Classification Sherloc (09022015). Collection method: clinical testing. Allele origin: germline.
Comment: This variant has not been reported in the literature in individuals affected with TNK2-related conditions. This sequence change replaces proline, which is neutral and non-polar, with leucine, which is neutral and non-polar, at codon 880 of the TNK2 protein (p.Pro880Leu). This variant is present in population databases (rs3749333, gnomAD 0.03%). Algorithms developed to predict the effect of missense changes on protein structure and function are either unavailable or do not agree on the potential impact of this missense change (SIFT: "Deleterious"; PolyPhen-2: "Possibly Damaging"; Align-GVGD: "Class C0"). In summary, the available evidence is currently insufficient to determine the role of this variant in disease. Therefore, it has been classified as a Variant of Uncertain Significance.

NM_001382273.1(TNK2):c.2450C>T (p.Pro817Leu)

Gene: TNK2 (tyrosine kinase non receptor 2; minus strand). Cytogenetic location: 3q29.
Variant type: single nucleotide variant.
Coding change: c.2450C>T on transcript NM_001382273.1 (MANE Select); coding-DNA position 2450, C replaced by T.
Protein change: p.Pro817Leu; replaces proline 817 with leucine.
Molecular consequence: missense variant. On other transcripts: non-coding transcript variant (15).
Genome position (GRCh38, 1-based): chr3:195,867,848, G>A on the plus strand (C>T on the coding strand, the complement: TNK2 is on the minus strand). VCF-style: chr3-195867848-G-A. GRCh37 (hg19) VCF-style: chr3-195594719-G-A.
Other names: c.2522C>T, p.Pro841Leu (NM_001010938.2, NM_001382272.1); c.2501C>T, p.Pro834Leu (NM_001308046.2, NM_001382271.1); c.2450C>T, p.Pro817Leu (NM_001382274.1, NM_001387716.1, NM_001387717.1 and 1 more transcripts); c.2546C>T, p.Pro849Leu (NM_001382275.1, NM_001387707.1); c.2405C>T, p.Pro802Leu (NM_001386164.1, NM_001387709.1, NM_001387710.1 and 8 more transcripts); c.2477C>T, p.Pro826Leu (NM_001387708.1, NM_001387715.1); short protein forms P834L, P841L, P849L, P802L, P817L, P826L.
Identifiers: ClinVar variation 2056064 (VCV002056064.4), dbSNP rs3749333, ClinGen allele CA2775918.
Genomic context (GRCh38, chr3:195,867,848, plus strand): 5'-GCAAAGCTCTGGGTGGTGGGCATGGTCTTCCCAGGTGAGCTTGAGAGCCGGGGTGGCAGC[G>A]GGGAGCTGCCAGGTGGTACCAGGGGGCTGGGTGTCCTCGAGCCTTGAGGGGACAGGGGCT-3'
Protein context (NP_001369202.1, residues 807-827): PSPLVPPGSS[Pro817Leu]LPPRLSSSPG